The following is an entry in ClinVar:

ClinVar aggregate classification (germline): Uncertain significance. Review status: criteria provided, multiple submitters, no conflicts (2 of 4 stars). 2 submissions from 2 submitters: Uncertain significance (2). Last evaluated 2021-04-30.

Submissions (2):

ARUP Laboratories, Molecular Genetics and Genomics, ARUP Laboratories
Classification: Uncertain significance. Last evaluated: 2021-04-30. Review status: criteria provided, single submitter. Criteria: ARUP Molecular Germline Variant Investigation Process 2021. Collection method: clinical testing. Allele origin: germline.
Comment: The Hb Dallas variant (HBA2: c.294C>A; p.Asn98Lys, also known as Asn97Lys when numbered from the mature protein, rs41338947) has been reported in the literature in a heterozygote with mild erythrocytosis (see HbVar and references therein). However, the phenotype of this variant in the presence of other alpha globin variants is unknown. Functional analyses show the variant protein is stable but with increased oxygen affinity (HbVar, Lendaro 1992). This variant is absent from the Genome Aggregation Database, indicating it is not a common polymorphism. The asparagine at codon 98 is moderately conserved, and computational analyses predict that this variant is deleterious (REVEL: 0.888). However, given the lack of clinical and functional data, the significance of the p.Asn98Lys variant is uncertain at this time. References: HbVar for Hb Dallas: Lendaro E et al. Hemoglobin Dallas (alpha 97(G4)Asn-->Lys): functional characterization of a high oxygen affinity natural mutant. Biochim Biophys Acta. 1992 Oct 13;1180(1):15-20. PMID: 1390940.

Quest Diagnostics Nichols Institute San Juan Capistrano
Classification: Uncertain significance. Last evaluated: 2021-01-14. Review status: criteria provided, single submitter. Criteria: Quest Diagnostics criteria. Collection method: clinical testing. Allele origin: unknown.

Literature cited by the submitters: PubMed 7803274 (cited by Quest Diagnostics Nichols Institute San Juan Capistrano); PubMed 27207683 (cited by Quest Diagnostics Nichols Institute San Juan Capistrano).

NM_000517.6(HBA2):c.294C>A (p.Asn98Lys)

Genes: HBA2 (hemoglobin subunit alpha 2; plus strand), LOC106804612 (hemoglobin subunit alpha 2 recombination region; plus strand). Cytogenetic location: 16p13.3.
Variant type: single nucleotide variant.
Coding change: c.294C>A on transcript NM_000517.6 (MANE Select); coding-DNA position 294, C replaced by A.
Protein change: p.Asn98Lys; replaces asparagine 98 with lysine.
Molecular consequence: missense variant.
Genome position (GRCh38, 1-based): chr16:173,323, C>A. VCF-style: chr16-173323-C-A. GRCh37 (hg19) VCF-style: chr16-223322-C-A.
Other names: N97K; Hb Dallas; short protein forms N98K.
Identifiers: ClinVar variation 1330062 (VCV001330062.10), dbSNP rs41338947, ClinGen allele CA276415102.